The following is an entry in ClinVar:

ClinVar aggregate classification (germline): Uncertain significance. Review status: criteria provided, multiple submitters, no conflicts (2 of 4 stars). 2 submissions from 2 submitters: Uncertain significance (2). Last evaluated 2025-10-14.

Conditions:
Vitamin B2 deficiency. Identifiers: MedGen C0035528.

Allele frequency attached by ClinVar (database versions not stated): gnomAD 0.00001; gnomAD exomes 0.00002.

Submissions (2):

Ambry Genetics
Classification: Uncertain significance. Last evaluated: 2025-10-14. Review status: criteria provided, single submitter. Criteria: Ambry Variant Classification Scheme 2023. Collection method: clinical testing. Allele origin: germline.

Labcorp Genetics (formerly Invitae), Labcorp
Classification: Uncertain significance for Vitamin B2 deficiency. Last evaluated: 2024-07-29. Review status: criteria provided, single submitter. Criteria: Invitae Variant Classification Sherloc (09022015). Collection method: clinical testing. Allele origin: germline.
Comment: This sequence change replaces methionine, which is neutral and non-polar, with isoleucine, which is neutral and non-polar, at codon 426 of the SLC52A1 protein (p.Met426Ile). This variant is present in population databases (no rsID available, gnomAD 0.01%). This variant has not been reported in the literature in individuals affected with SLC52A1-related conditions. ClinVar contains an entry for this variant (Variation ID: 1051019). Advanced modeling of protein sequence and biophysical properties (such as structural, functional, and spatial information, amino acid conservation, physicochemical variation, residue mobility, and thermodynamic stability) performed at Invitae indicates that this missense variant is not expected to disrupt SLC52A1 protein function with a negative predictive value of 80%. In summary, the available evidence is currently insufficient to determine the role of this variant in disease. Therefore, it has been classified as a Variant of Uncertain Significance.

NM_017986.4(SLC52A1):c.1278G>T (p.Met426Ile)

Gene: SLC52A1 (solute carrier family 52 member 1; minus strand). Cytogenetic location: 17p13.2.
Variant type: single nucleotide variant.
Coding change: c.1278G>T on transcript NM_017986.4 (MANE Select); coding-DNA position 1278, G replaced by T.
Protein change: p.Met426Ile; replaces methionine 426 with isoleucine.
Molecular consequence: missense variant.
Genome position (GRCh38, 1-based): chr17:5,033,026, C>A on the plus strand (G>T on the coding strand, the complement: SLC52A1 is on the minus strand). VCF-style: chr17-5033026-C-A. GRCh37 (hg19) VCF-style: chr17-4936321-C-A.
Other names: c.1278G>T, p.Met426Ile (NM_001104577.2); c.1278G>T (NM_001104577.1); short protein forms M426I.
Identifiers: ClinVar variation 1051019 (VCV001051019.11), dbSNP rs1265990534, ClinGen allele CA397324902.